The following is an entry in ClinVar:

NM_001384359.1(FUT1):c.881_882del (p.Phe294fs)

Gene: FUT1 (fucosyltransferase 1 (H blood group); minus strand). Cytogenetic location: 19q13.33.
Variant type: Deletion.
Coding change: c.881_882del on transcript NM_001384359.1 (MANE Select); coding-DNA positions 881 to 882, 2 bases deleted (TT; older notation c.881_882delTT).
Protein change: p.Phe294fs; shifts the reading frame from phenylalanine 294.
Molecular consequence: frameshift variant.
Genome position (GRCh38, 1-based): chr19:48,750,400-48,750,401, AA deleted on the plus strand (TT on the coding strand, the reverse complement: FUT1 is on the minus strand); deleting any 2 consecutive bases within chr19:48,750,400-48,750,402 gives the same sequence; the c. name uses the placement nearest the transcript's 3' end. VCF-style (leftmost placement, unchanged base first): chr19-48750399-CAA-C. GRCh37 (hg19) VCF-style: chr19-49253656-CAA-C.
Other names: c.881_882del, p.Phe294fs (NM_000148.4, NM_001329877.1); short protein forms F294fs.
Identifiers: ClinVar variation 3030253 (VCV003030253.2), dbSNP rs777455020, ClinGen allele CA9557659.

ClinVar aggregate classification (germline): Pathogenic (0 of 4 stars; one submission).

Conditions:
FUT1-related disorder. Also called: FUT1-related condition.

Submission:

PreventionGenetics, part of Exact Sciences
Classification: Pathogenic for FUT1-related condition. Last evaluated: 2023-11-27. Review status: no assertion criteria provided. Collection method: clinical testing. Allele origin: germline.
Comment: The FUT1 c.881_882delTT variant is predicted to result in a frameshift and premature protein termination (p.Phe294Cysfs*40). This variant was reported in multiple individuals with H antigen, para-Bombay phenotype (Yu et al. 1997. PubMed ID: 9031499; Lin et al. 2019. PubMed ID: 31850709; Lei et al. 2021. PubMed ID: 34539321). This variant is reported in 0.30% of alleles in individuals of East Asian descent in gnomAD. This variant is interpreted as pathogenic.